The following is an entry in ClinVar:

NM_001283009.2(RTEL1):c.3326A>C (p.Asp1109Ala)

Genes: RTEL1 (regulator of telomere elongation helicase 1; plus strand), RTEL1-TNFRSF6B (RTEL1-TNFRSF6B readthrough (NMD candidate); plus strand). Cytogenetic location: 20q13.33.
Variant type: single nucleotide variant.
Coding change: c.3326A>C on transcript NM_001283009.2 (MANE Select); coding-DNA position 3326, A replaced by C.
Protein change: p.Asp1109Ala; replaces aspartic acid 1109 with alanine.
Molecular consequence: missense variant. On other transcripts: non-coding transcript variant (1).
Genome position (GRCh38, 1-based): chr20:63,694,957, A>C. VCF-style: chr20-63694957-A-C. GRCh37 (hg19) VCF-style: chr20-62326310-A-C.
Other names: c.2657A>C, p.Asp886Ala (NM_001283010.1); c.3326A>C, p.Asp1109Ala (NM_016434.4); c.3398A>C, p.Asp1133Ala (NM_032957.5); short protein forms D1109A, D1133A, D886A.
Identifiers: ClinVar variation 1721949 (VCV001721949.6), dbSNP rs2517199095, ClinGen allele CA409685189.
Genomic context (GRCh38, chr20:63,694,957, plus strand): 5'-ACGACGACCTCGACAAGGTGCTGGCTGTGTTGGCCGCCCTGACCACTGCAAAGCCAGAGG[A>C]CTTCCCCCTGCTGCACAGCAAGTGGCCCTGGCGTGGGGAACAGCCGGTGGGGTGGGGGGC-3'
Protein context (NP_001269938.1, residues 1099-1119): LAALTTAKPE[Asp1109Ala]FPLLHRFSMF

ClinVar aggregate classification (germline): Uncertain significance (1 of 4 stars; one submission).

Conditions:
Dyskeratosis congenita, autosomal recessive 5 (DKCB5). Identifiers: MedGen C3554656, MONDO:0014076, OMIM 615190.
Pulmonary fibrosis and/or bone marrow failure, Telomere-related, 3. Also called: PULMONARY FIBROSIS AND/OR BONE MARROW FAILURE SYNDROME, TELOMERE-RELATED, 3. Identifiers: Orphanet 2032, MedGen C4225346, MONDO:0014613, OMIM 616373.

Submission:

Labcorp Genetics (formerly Invitae), Labcorp
Classification: Uncertain significance for Dyskeratosis congenita, autosomal recessive 5; Pulmonary fibrosis and/or bone marrow failure, Telomere-related, 3. Last evaluated: 2024-04-10. Review status: criteria provided, single submitter. Criteria: Invitae Variant Classification Sherloc (09022015). Collection method: clinical testing. Allele origin: germline.
Comment: This sequence change replaces aspartic acid, which is acidic and polar, with alanine, which is neutral and non-polar, at codon 1109 of the RTEL1 protein (p.Asp1109Ala). This variant is not present in population databases (gnomAD no frequency). This variant has not been reported in the literature in individuals affected with RTEL1-related conditions. ClinVar contains an entry for this variant (Variation ID: 1721949). An algorithm developed to predict the effect of missense changes on protein structure and function (PolyPhen-2) suggests that this variant is likely to be disruptive. In summary, the available evidence is currently insufficient to determine the role of this variant in disease. Therefore, it has been classified as a Variant of Uncertain Significance.